The following is an entry in ClinVar:

ClinVar aggregate classification (germline): Uncertain significance. Review status: criteria provided, multiple submitters, no conflicts (2 of 4 stars). 2 submissions from 2 submitters: Uncertain significance (2). Last evaluated 2026-04-15.

Conditions:
TTC21B-related disorder. Also called: TTC21B-related disorders; TTC21B-related condition.
Nephronophthisis. Also called: Juvenile Nephronophthisis. Identifiers: Orphanet 655, MedGen C0687120, MONDO:0019005, HP:0000090.
Jeune thoracic dystrophy. Also called: Jeune syndrome; Infantile thoracic dystrophy; Thoracic pelvic phalangeal dystrophy; Jeune's syndrome; Chondroectodermal dysplasia-like syndrome; Short-rib thoracic dysplasia. Identifiers: Orphanet 474, MedGen C0265275, MONDO:0018770.

Allele frequency attached by ClinVar (database versions not stated): gnomAD exomes below 0.00001 and 0.00001; gnomAD 0.00001; TOPMed 0.00001.
gnomAD v4.1: 9 of 1,591,190 alleles (0.00057%); highest among the groups gnomAD compares: Non-Finnish European, 0.00077%; no homozygotes.

Submissions (2):

PreventionGenetics, part of Exact Sciences
Classification: Uncertain significance for TTC21B-related condition. Last evaluated: 2026-04-15. Review status: criteria provided, single submitter. Criteria: ACMG Guidelines, 2015. Collection method: clinical testing. Allele origin: germline.
Comment: The TTC21B c.1186-10T>G variant is predicted to interfere with splicing. This variant is predicted to impact splicing based on one available splicing prediction algorithm (SpliceAI, Jaganathan et al. 2019. PubMed ID: 30661751). To our knowledge, this variant has not been reported in the literature. This variant is reported in 0.00091% of alleles in individuals of European (Non-Finnish) descent in gnomAD. However, the use of computer prediction programs is not equivalent to functional evidence, and therefore the clinical significance of this variant is uncertain.

Labcorp Genetics (formerly Invitae), Labcorp
Classification: Uncertain significance for Jeune thoracic dystrophy; Nephronophthisis. Last evaluated: 2022-06-29. Review status: criteria provided, single submitter. Criteria: Invitae Variant Classification Sherloc (09022015). Collection method: clinical testing. Allele origin: germline.
Comment: This sequence change falls in intron 10 of the TTC21B gene. It does not directly change the encoded amino acid sequence of the TTC21B protein. This variant is present in population databases (no rsID available, gnomAD 0.0009%). This variant has not been reported in the literature in individuals affected with TTC21B-related conditions. Algorithms developed to predict the effect of sequence changes on RNA splicing suggest that this variant may create or strengthen a splice site. In summary, the available evidence is currently insufficient to determine the role of this variant in disease. Therefore, it has been classified as a Variant of Uncertain Significance.

NM_024753.5(TTC21B):c.1186-10T>G

Gene: TTC21B (tetratricopeptide repeat domain 21B; minus strand). Cytogenetic location: 2q24.3.
Variant type: single nucleotide variant.
Coding change: c.1186-10T>G on transcript NM_024753.5 (MANE Select); 10 bases into the intron before coding-DNA position 1186, T replaced by G.
Molecular consequence: intron variant.
Genome position (GRCh38, 1-based): chr2:165,929,345, A>C on the plus strand (T>G on the coding strand, the complement: TTC21B is on the minus strand). VCF-style: chr2-165929345-A-C. GRCh37 (hg19) VCF-style: chr2-166785855-A-C.
Other names: c.1186-10T>G (NM_024753.4).
Identifiers: ClinVar variation 1431231 (VCV001431231.4), dbSNP rs1352577616, ClinGen allele CA537508331.